The following is an entry in ClinVar:

NM_001399.5(EDA):c.826C>T (p.Arg276Cys)

Gene: EDA (ectodysplasin A; plus strand). Cytogenetic location: Xq13.1.
Variant type: single nucleotide variant.
Coding change: c.826C>T on transcript NM_001399.5 (MANE Select); coding-DNA position 826, C replaced by T.
Protein change: p.Arg276Cys; replaces arginine 276 with cysteine.
Molecular consequence: missense variant.
Genome position (GRCh38, 1-based): chrX:70,033,430, C>T. VCF-style: chrX-70033430-C-T. GRCh37 (hg19) VCF-style: chrX-69253280-C-T.
Other names: c.826C>T, p.Arg276Cys (NM_001005609.2); c.817C>T, p.Arg273Cys (NM_001005612.3); short protein forms R276C, R273C.
Identifiers: ClinVar variation 31908 (VCV000031908.43), dbSNP rs387907197, ClinGen allele CA260052.

ClinVar aggregate classification (germline): Pathogenic/Likely pathogenic. Review status: criteria provided, multiple submitters, no conflicts (2 of 4 stars). 6 submissions from 6 submitters: Pathogenic (2); Likely pathogenic (2). 2 of the submissions do not count toward it. Last evaluated 2026-09-14.

Conditions:
Hypohidrotic X-linked ectodermal dysplasia (XHED). Also called: ECTODERMAL DYSPLASIA, HYPOHIDROTIC, 1; CST SYNDROME; Christ-Siemans-Touraine syndrome; Anhidrotic ectodermal dysplasia X-linked; Christ Siemens Touraine syndrome; ECTODERMAL DYSPLASIA 1, HYPOHIDROTIC, X-LINKED. Identifiers: Orphanet 181, Orphanet 238468, MedGen C0162359, MONDO:0010585, OMIM 305100.
Ectodermal dysplasia. Also called: Ectodermal dysplasia syndrome. Identifiers: Orphanet 79373, MedGen C0013575, MONDO:0019287, HP:0000968.

Submissions (6):

Genetics Laboratory, Great Ormond Street Hospital NHS Foundation Trust, North Thames Genomic Laboratory Hub
Classification: Likely pathogenic for Ectodermal dysplasia. Last evaluated: 2026-09-14. Review status: criteria provided, single submitter. Criteria: ACGS Best Practice Guidelines for Variant Classification in Rare Disease 2024 v1.2. Collection method: clinical testing. Allele origin: germline. Affected: yes.
Comment: PS4_supporting, PM2_moderate, PP3_supporting, PS3_supporting, PP1_supporting

Labcorp Genetics (formerly Invitae), Labcorp
Classification: Pathogenic for Hypohidrotic X-linked ectodermal dysplasia. Last evaluated: 2025-05-05. Review status: criteria provided, single submitter. Criteria: Invitae Variant Classification Sherloc (09022015). Collection method: clinical testing. Allele origin: germline.
Comment: This sequence change replaces arginine, which is basic and polar, with cysteine, which is neutral and slightly polar, at codon 276 of the EDA protein (p.Arg276Cys). This variant is not present in population databases (gnomAD no frequency). This missense change has been observed in individuals with clinical features of, or diagnosis of, ectodermal dysplasia (PMID: 19921643, 21357618; internal data). It has also been observed to segregate with disease in related individuals. ClinVar contains an entry for this variant (Variation ID: 31908). Invitae Evidence Modeling of protein sequence and biophysical properties (such as structural, functional, and spatial information, amino acid conservation, physicochemical variation, residue mobility, and thermodynamic stability) indicates that this missense variant is not expected to disrupt EDA protein function with a negative predictive value of 80%. This variant disrupts the p.Arg276 amino acid residue in EDA. Other variant(s) that disrupt this residue have been determined to be pathogenic (internal data). This suggests that this residue is clinically significant, and that variants that disrupt this residue are likely to be disease-causing. For these reasons, this variant has been classified as Pathogenic.

CeGaT Center for Human Genetics Tuebingen
Classification: Likely pathogenic. Last evaluated: 2022-04-01. Review status: criteria provided, single submitter. Criteria: CeGaT Center For Human Genetics Tuebingen Variant Classification Criteria Version 2. Collection method: clinical testing. Allele origin: germline. Affected: yes. Observed: 1 variant allele.
Comment: EDA: PM1, PM2, PS4:Moderate, PP4

Centre for Mendelian Genomics, University Medical Centre Ljubljana
Classification: Pathogenic for Ectodermal dysplasia. Last evaluated: 2017-01-01. Review status: criteria provided, single submitter. Criteria: ACMG Guidelines, 2015. Collection method: clinical testing. Allele origin: unknown. Affected: yes.

Department of Pediatric and Adolescent Medicine, University of Erlangen
Classification: Pathogenic for Hypohidrotic X-linked ectodermal dysplasia. Last evaluated: 2025-01-07. Review status: no assertion criteria provided. Collection method: clinical testing. Allele origin: germline. Affected: yes. Not counted in ClinVar's aggregate classification.

OMIM
Classification: Pathogenic for ECTODERMAL DYSPLASIA 1, HYPOHIDROTIC/HAIR/TOOTH TYPE, X-LINKED. Last evaluated: 2009-12-01. Review status: no assertion criteria provided. Collection method: literature only. Allele origin: germline. Not counted in ClinVar's aggregate classification.

Literature cited by the submitters: PubMed 19921643 (cited by Labcorp Genetics (formerly Invitae), Labcorp and OMIM); PubMed 21357618 (cited by Labcorp Genetics (formerly Invitae), Labcorp).